The following is an entry in ClinVar:

NM_018941.4(CLN8):c.191G>A (p.Trp64Ter)

Gene: CLN8 (CLN8 transmembrane ER and ERGIC protein; plus strand). Cytogenetic location: 8p23.3.
Variant type: single nucleotide variant.
Coding change: c.191G>A on transcript NM_018941.4 (MANE Select); coding-DNA position 191, G replaced by A.
Protein change: p.Trp64Ter; replaces tryptophan 64 with a stop codon.
Molecular consequence: nonsense.
Genome position (GRCh38, 1-based): chr8:1,771,245, G>A. VCF-style: chr8-1771245-G-A. GRCh37 (hg19) VCF-style: chr8-1719411-G-A.
Other names: short protein forms W64*.
Identifiers: ClinVar variation 3642414 (VCV003642414.2).

ClinVar aggregate classification (germline): Pathogenic (1 of 4 stars; one submission).

Conditions:
Neuronal ceroid lipofuscinosis. Also called: Neuronal Ceroid Lipofuscinoses. Identifiers: Orphanet 216, Orphanet 79263, MedGen C0027877, MONDO:0016295. Disease mechanism: loss of function.

Submission:

Labcorp Genetics (formerly Invitae), Labcorp
Classification: Pathogenic for Neuronal ceroid lipofuscinosis. Last evaluated: 2024-10-23. Review status: criteria provided, single submitter. Criteria: Invitae Variant Classification Sherloc (09022015). Collection method: clinical testing. Allele origin: germline.
Comment: This sequence change creates a premature translational stop signal (p.Trp64*) in the CLN8 gene. It is expected to result in an absent or disrupted protein product. Loss-of-function variants in CLN8 are known to be pathogenic (PMID: 15024724). This variant is not present in population databases (gnomAD no frequency). This variant has not been reported in the literature in individuals affected with CLN8-related conditions. For these reasons, this variant has been classified as Pathogenic.

Literature cited by the submitters: PubMed 15024724.